The following is an entry in ClinVar:

NM_182931.3(KMT2E):c.3524_3525insTTAG (p.Lys1175delinsAsnTer)

Gene: KMT2E (lysine methyltransferase 2E (inactive); plus strand). Cytogenetic location: 7q22.3.
Variant type: Insertion.
Coding change: c.3524_3525insTTAG on transcript NM_182931.3 (MANE Select); coding-DNA positions 3524 to 3525, TTAG inserted.
Protein change: p.Lys1175delinsAsnTer.
Molecular consequence: nonsense.
Genome position: GRCh38 VCF-style: chr7-105108997-A-ATTAG. GRCh37 (hg19) VCF-style: chr7-104749444-A-ATTAG.
Other names: c.3524_3525insTTAG, p.Lys1175delinsAsnTer (NM_001410908.1, NM_018682.4).
Identifiers: ClinVar variation 2571294 (VCV002571294.27), dbSNP rs2536513946, ClinGen allele CA2580617063.

ClinVar aggregate classification (germline): Pathogenic (1 of 4 stars; one submission).

Submission:

CeGaT Center for Human Genetics Tuebingen
Classification: Pathogenic. Last evaluated: 2023-04-01. Review status: criteria provided, single submitter. Criteria: CeGaT Center For Human Genetics Tuebingen Variant Classification Criteria Version 2. Collection method: clinical testing. Allele origin: germline. Affected: yes. Observed: 1 variant allele.
Comment: KMT2E: PVS1, PM2